The following is an entry in ClinVar:

NM_005883.3(APC2):c.4531G>A (p.Gly1511Ser)

Gene: APC2 (APC regulator of WNT signaling pathway 2; plus strand). Cytogenetic location: 19p13.3.
Variant type: single nucleotide variant.
Coding change: c.4531G>A on transcript NM_005883.3 (MANE Select); coding-DNA position 4531, G replaced by A.
Protein change: p.Gly1511Ser; replaces glycine 1511 with serine.
Molecular consequence: missense variant.
Genome position (GRCh38, 1-based): chr19:1,467,832, G>A. VCF-style: chr19-1467832-G-A. GRCh37 (hg19) VCF-style: chr19-1467831-G-A.
Other names: c.4528G>A, p.Gly1510Ser (NM_001351273.1); short protein forms G1510S, G1511S.
Identifiers: ClinVar variation 1805267 (VCV001805267.2), dbSNP rs761036148, ClinGen allele CA403037249.

ClinVar aggregate classification (germline): Uncertain significance. Review status: criteria provided, multiple submitters, no conflicts (2 of 4 stars). 2 submissions from 2 submitters: Uncertain significance (2). Last evaluated 2024-11-20.

Conditions:
Cortical dysplasia, complex, with other brain malformations 10. Identifiers: MedGen C5231458, MONDO:0032866, OMIM 618677.
Inborn genetic diseases. Identifiers: MedGen C0950123, MeSH D030342.

Submissions (2):

Ambry Genetics
Classification: Uncertain significance for Inborn genetic diseases. Last evaluated: 2024-11-20. Review status: criteria provided, single submitter. Criteria: Ambry Variant Classification Scheme 2023. Collection method: clinical testing. Allele origin: germline.

Victorian Clinical Genetics Services, Murdoch Childrens Research Institute
Classification: Uncertain significance for Cortical dysplasia, complex, with other brain malformations 10. Last evaluated: 2022-02-02. Review status: criteria provided, single submitter. Criteria: ACMG Guidelines, 2015. Collection method: clinical testing. Allele origin: germline. Inheritance: Autosomal recessive inheritance. Affected: yes.
Comment: Based on the classification scheme VCGS_Germline_v1.3.4, this variant is classified as VUS-3C. Following criteria are met: 0102 - Loss of function is a known mechanism of disease in this gene and is associated with cortical dysplasia, complex, with other brain malformations 10 (MIM#618677). (I) 0106 - This gene is associated with autosomal recessive disease. (I) 0115 - Variants in this gene are known to have variable expressivity. Intra-familial varibility has been reported (PMID: 31585108). (I) 0200 - Variant is predicted to result in a missense amino acid change from glycine to serine. (I) 0251 - This variant is heterozygous. (I) 0301 - Variant is absent from gnomAD (both v2 and v3). (SP) 0309 - An alternative amino acid change at the same position has been observed in gnomAD (v3: 6 heterozygotes, 0 homozygotes). (I) 0503 - Missense variant consistently predicted to be tolerated by multiple in silico tools or not conserved in placental mammals with a minor amino acid change. (SB) 0604 - Variant is not located in an established domain, motif, hotspot or informative constraint region. (I) 0705 - No comparable missense variants have previous evidence for pathogenicity. (I) 0807 - This variant has no previous evidence of pathogenicity. (I) 0905 - No published segregation evidence has been identified for this variant. (I) 1007 - No published functional evidence has been identified for this variant. (I) 1208 - Inheritance information for this variant is not currently available in this individual. (I) Legend: (SP) - Supporting pathogenic, (I) - Information, (SB) - Supporting benign

Literature cited by the submitters: PubMed 31585108 (cited by Victorian Clinical Genetics Services, Murdoch Childrens Research Institute).